The following is an entry in ClinVar:

NM_014844.5(TECPR2):c.480+244A>G

Gene: TECPR2 (tectonin beta-propeller repeat containing 2; plus strand). Cytogenetic location: 14q32.31.
Variant type: single nucleotide variant.
Coding change: c.480+244A>G on transcript NM_014844.5 (MANE Select); 244 bases into the intron after coding-DNA position 480, A replaced by G.
Molecular consequence: intron variant.
Genome position (GRCh38, 1-based): chr14:102,408,863, A>G. VCF-style: chr14-102408863-A-G. GRCh37 (hg19) VCF-style: chr14-102875200-A-G.
Other names: c.480+244A>G (NM_001172631.3).
Identifiers: ClinVar variation 670710 (VCV000670710.1), dbSNP rs2274045, ClinGen allele CA15803043.

ClinVar aggregate classification (germline): Benign (1 of 4 stars; one submission).

Allele frequency attached by ClinVar (database versions not stated): gnomAD 0.37822; TOPMed 0.38238; 1000 Genomes Project 30x 0.33573; 1000 Genomes Project 0.33207.
gnomAD v4.1: 58,280 of 152,052 alleles (38%); highest among the groups gnomAD compares: Middle Eastern, 51%; 11,418 homozygotes.

Submission:

GeneDx
Classification: Benign. Last evaluated: 2018-06-14. Review status: criteria provided, single submitter. Criteria: GeneDx Variant Classification (06012015). Collection method: clinical testing. Allele origin: germline. Affected: yes.
Comment: This variant is considered likely benign or benign based on one or more of the following criteria: it is a conservative change, it occurs at a poorly conserved position in the protein, it is predicted to be benign by multiple in silico algorithms, and/or has population frequency not consistent with disease.